The following is an entry in ClinVar:

NM_001199107.2(TBC1D24):c.376C>T (p.Pro126Ser)

Gene: TBC1D24 (TBC1 domain family member 24; plus strand). Cytogenetic location: 16p13.3.
Variant type: single nucleotide variant.
Coding change: c.376C>T on transcript NM_001199107.2 (MANE Select); coding-DNA position 376, C replaced by T.
Protein change: p.Pro126Ser; replaces proline 126 with serine.
Molecular consequence: missense variant.
Genome position (GRCh38, 1-based): chr16:2,496,524, C>T. VCF-style: chr16-2496524-C-T. GRCh37 (hg19) VCF-style: chr16-2546525-C-T.
Other names: c.376C>T, p.Pro126Ser (NM_020705.3); short protein forms P126S.
Identifiers: ClinVar variation 2924292 (VCV002924292.3), dbSNP rs1392340707, ClinGen allele CA394375726.

ClinVar aggregate classification (germline): Uncertain significance (1 of 4 stars; one submission).

Conditions:
Autosomal dominant nonsyndromic hearing loss 65. Also called: Deafness, autosomal dominant 65; TBC1D24-Related Autosomal Dominant Nonsyndromic Hearing Loss (DFNA). Identifiers: Orphanet 90635, MedGen C3892048, MONDO:0014470, OMIM 616044.
Developmental and epileptic encephalopathy, 1 (DEE1). Also called: INFANTILE SPASM SYNDROME, X-LINKED 1; X-linked infantile spasms; West's syndrome; Tonic spasms with clustering, arrest of psychomotor development and hypsarrhythmia on EEG; X-Linked Infantile Spasm Syndrome; OHTAHARA SYNDROME, X-LINKED. Identifiers: MedGen C3463992, MONDO:0010632, OMIM 308350. Disease mechanism: loss of function.

Allele frequency attached by ClinVar (database versions not stated): gnomAD exomes below 0.00001.
gnomAD v4.1: 2 of 1,608,812 alleles (0.00012%); highest among the groups gnomAD compares: South Asian, 0.0011%; no homozygotes.

Submission:

Labcorp Genetics (formerly Invitae), Labcorp
Classification: Uncertain significance for Developmental and epileptic encephalopathy, 1; Autosomal dominant nonsyndromic hearing loss 65. Last evaluated: 2022-11-17. Review status: criteria provided, single submitter. Criteria: Invitae Variant Classification Sherloc (09022015). Collection method: clinical testing. Allele origin: germline.
Comment: Algorithms developed to predict the effect of missense changes on protein structure and function (SIFT, PolyPhen-2, Align-GVGD) all suggest that this variant is likely to be disruptive. In summary, the available evidence is currently insufficient to determine the role of this variant in disease. Therefore, it has been classified as a Variant of Uncertain Significance. This variant has not been reported in the literature in individuals affected with TBC1D24-related conditions. This variant is present in population databases (no rsID available, gnomAD 0.003%). This sequence change replaces proline, which is neutral and non-polar, with serine, which is neutral and polar, at codon 126 of the TBC1D24 protein (p.Pro126Ser).